The following is an entry in ClinVar:

ClinVar aggregate classification (germline): Uncertain significance (1 of 4 stars; one submission).

Conditions:
Methylcobalamin deficiency type cblG (HMAG). Also called: HOMOCYSTINURIA-MEGALOBLASTIC ANEMIA, cblG TYPE; HOMOCYSTINURIA-MEGALOBLASTIC ANEMIA DUE TO DEFECT IN COBALAMIN METABOLISM, cblG COMPLEMENTATION TYPE; Functional methionine synthase deficiency type cblG; HOMOCYSTINURIA-MEGALOBLASTIC ANEMIA, cblG COMPLEMENTATION TYPE. Identifiers: Orphanet 2170, Orphanet 622, MedGen C1855128, MONDO:0009609, OMIM 250940.

Allele frequency attached by ClinVar (database versions not stated): TOPMed 0.00001.

Submission:

Labcorp Genetics (formerly Invitae), Labcorp
Classification: Uncertain significance for Methylcobalamin deficiency type cblG. Last evaluated: 2022-01-11. Review status: criteria provided, single submitter. Criteria: Invitae Variant Classification Sherloc (09022015). Collection method: clinical testing. Allele origin: germline.
Comment: This sequence change falls in intron 24 of the MTR gene. It does not directly change the encoded amino acid sequence of the MTR protein. It affects a nucleotide within the consensus splice site. This variant is not present in population databases (gnomAD no frequency). This variant has not been reported in the literature in individuals affected with MTR-related conditions. Variants that disrupt the consensus splice site are a relatively common cause of aberrant splicing (PMID: 17576681, 9536098). Algorithms developed to predict the effect of sequence changes on RNA splicing suggest that this variant may disrupt the consensus splice site. In summary, the available evidence is currently insufficient to determine the role of this variant in disease. Therefore, it has been classified as a Variant of Uncertain Significance.

Literature cited by the submitters: PubMed 17576681; PubMed 9536098.

NM_000254.3(MTR):c.2594+5G>A

Gene: MTR (5-methyltetrahydrofolate-homocysteine methyltransferase; plus strand). Cytogenetic location: 1q43.
Variant type: single nucleotide variant.
Coding change: c.2594+5G>A on transcript NM_000254.3 (MANE Select); 5 bases into the intron after coding-DNA position 2594, G replaced by A.
Molecular consequence: intron variant.
Genome position (GRCh38, 1-based): chr1:236,874,851, G>A. VCF-style: chr1-236874851-G-A. GRCh37 (hg19) VCF-style: chr1-237038151-G-A.
Other names: c.2441+5G>A (NM_001291939.1); c.1373+5G>A (NM_001291940.2).
Identifiers: ClinVar variation 1921225 (VCV001921225.5), dbSNP rs1218200007, ClinGen allele CA733255644.
Genomic context (GRCh38, chr1:236,874,851, plus strand): 5'-ATGGAGAGATTAGCTATAAGGATTCCATTGTTGATTGGAGGAGCAACCACTTCAAAGTAA[G>A]TTATACTAATGAGCTTTGTCCTCACTTCAAATTTTCTTATATGCCAGTGTTTGAAACAGT-3'